The following is an entry in ClinVar:

ClinVar aggregate classification (germline): Uncertain significance. Review status: criteria provided, multiple submitters, no conflicts (2 of 4 stars). 4 submissions from 4 submitters: Uncertain significance (4). Last evaluated 2026-01-05.

Conditions:
Autosomal recessive limb-girdle muscular dystrophy type 2J (LGMDR10). Also called: MUSCULAR DYSTROPHY, LIMB-GIRDLE, AUTOSOMAL RECESSIVE 10; Limb-girdle muscular dystrophy, type 2J. Identifiers: Orphanet 140922, MedGen C1837342, MONDO:0012127, OMIM 608807.
Hypertrophic cardiomyopathy 9. Also called: Familial hypertrophic cardiomyopathy 9. Identifiers: MedGen C1861065, MONDO:0013412, OMIM 613765.
Tibial muscular dystrophy (TMD). Also called: Udd Distal Myopathy – Tibial Muscular Dystrophy; Tibial muscular dystrophy, tardive; UDD MYOPATHY. Identifiers: Orphanet 609, MedGen C1838244, MONDO:0010870, OMIM 600334.
Dilated cardiomyopathy 1G (CMD1G). Identifiers: Orphanet 154, MedGen C1858763, MONDO:0011400, OMIM 604145.
Early-onset myopathy with fatal cardiomyopathy (CMYO5). Also called: Salih Myopathy; CONGENITAL MYOPATHY 5 WITH CARDIOMYOPATHY. Identifiers: Orphanet 289377, MedGen C2673677, MONDO:0012714, OMIM 611705. Disease mechanism: loss of function.
Myopathy, myofibrillar, 9, with early respiratory failure (MFM9). Also called: MYOPATHY, PROXIMAL, WITH EARLY RESPIRATORY MUSCLE INVOLVEMENT; Myopathy, distal, with early respiratory failure, autosomal dominant; Hereditary myopathy with early respiratory failure; EDSTROM MYOPATHY. Identifiers: Orphanet 178464, Orphanet 34521, MedGen C1863599, MONDO:0011362, OMIM 603689.

Allele frequency attached by ClinVar (database versions not stated): gnomAD 0.00003; TOPMed 0.00006.
gnomAD v4.1: 35 of 1,613,474 alleles (0.0022%); highest among the groups gnomAD compares: African/African-American, 0.0027%; no homozygotes.

Submissions (4):

GeneDx
Classification: Uncertain significance. Last evaluated: 2026-01-05. Review status: criteria provided, single submitter. Criteria: GeneDx Variant Classification Process June 2021. Collection method: clinical testing. Allele origin: germline. Affected: yes.
Comment: Not observed at significant frequency in large population cohorts (gnomAD); Missense variant in a gene in which most reported pathogenic variants are truncating/loss of function; Has not been previously published as pathogenic or benign to our knowledge

Revvity Omics, Revvity
Classification: Uncertain significance. Last evaluated: 2023-08-16. Review status: criteria provided, single submitter. Criteria: ACMG Guidelines, 2015. Collection method: clinical testing. Allele origin: germline.

Fulgent Genetics
Classification: Uncertain significance for Tibial muscular dystrophy; Myopathy, myofibrillar, 9, with early respiratory failure; Dilated cardiomyopathy 1G; Autosomal recessive limb-girdle muscular dystrophy type 2J; Early-onset myopathy with fatal cardiomyopathy; Hypertrophic cardiomyopathy 9. Last evaluated: 2021-10-04. Review status: criteria provided, single submitter. Criteria: ACMG Guidelines, 2015. Collection method: clinical testing. Allele origin: unknown.

Eurofins Ntd Llc (ga)
Classification: Uncertain significance. Last evaluated: 2017-05-05. Review status: criteria provided, single submitter. Criteria: EGL Classification Definitions 2015. Collection method: clinical testing. Allele origin: germline. Observed: 1 variant allele, 1 heterozygote.

NM_001267550.2(TTN):c.15716C>T (p.Thr5239Met)

Gene: TTN (titin; minus strand). Cytogenetic location: 2q31.2.
Variant type: single nucleotide variant.
Coding change: c.15716C>T on transcript NM_001267550.2 (MANE Select); coding-DNA position 15716, C replaced by T.
Protein change: p.Thr5239Met; replaces threonine 5239 with methionine.
Molecular consequence: missense variant. On other transcripts: intron variant (3).
Genome position (GRCh38, 1-based): chr2:178,733,673, G>A on the plus strand (C>T on the coding strand, the complement: TTN is on the minus strand). VCF-style: chr2-178733673-G-A. GRCh37 (hg19) VCF-style: chr2-179598400-G-A.
Other names: c.14765C>T, p.Thr4922Met (NM_001256850.1); c.11984C>T, p.Thr3995Met (NM_133378.4); c.13282+4409C>T (NM_003319.4); c.13858+4409C>T (NM_133437.4); c.13657+4409C>T (NM_133432.3); c.15716C>T (NM_001267550.1); short protein forms T3995M, T5239M, T4922M.
Identifiers: ClinVar variation 501779 (VCV000501779.10), dbSNP rs756844952, ClinGen allele CA2002176.